The following is an entry in ClinVar:

ClinVar aggregate classification (germline): Pathogenic (1 of 4 stars; one submission).

Conditions:
Cornelia de Lange syndrome 1 (CDLS1). Also called: Brachmann de Lange syndrome; NIPBL-Related Cornelia de Lange Syndrome; TYPUS DEGENERATIVUS AMSTELODAMENSIS. Identifiers: Orphanet 199, MedGen C4551851, MONDO:0007387, OMIM 122470.

Submission:

Labcorp Genetics (formerly Invitae), Labcorp
Classification: Pathogenic for Cornelia de Lange syndrome 1. Last evaluated: 2024-07-29. Review status: criteria provided, single submitter. Criteria: Invitae Variant Classification Sherloc (09022015). Collection method: clinical testing. Allele origin: germline.
Comment: This sequence change replaces methionine, which is neutral and non-polar, with arginine, which is basic and polar, at codon 2326 of the NIPBL protein (p.Met2326Arg). This variant is not present in population databases (gnomAD no frequency). This missense change has been observed in individual(s) with Cornelia de Lange syndrome (Invitae). In at least one individual the variant was observed to be de novo. Advanced modeling of protein sequence and biophysical properties (such as structural, functional, and spatial information, amino acid conservation, physicochemical variation, residue mobility, and thermodynamic stability) performed at Invitae indicates that this missense variant is expected to disrupt NIPBL protein function with a positive predictive value of 95%. For these reasons, this variant has been classified as Pathogenic.

NM_133433.4(NIPBL):c.6977T>G (p.Met2326Arg)

Gene: NIPBL (NIPBL cohesin loading factor; plus strand). Cytogenetic location: 5p13.2.
Variant type: single nucleotide variant.
Coding change: c.6977T>G on transcript NM_133433.4 (MANE Select); coding-DNA position 6977, T replaced by G.
Protein change: p.Met2326Arg; replaces methionine 2326 with arginine.
Molecular consequence: missense variant.
Genome position (GRCh38, 1-based): chr5:37,051,801, T>G. VCF-style: chr5-37051801-T-G. GRCh37 (hg19) VCF-style: chr5-37051903-T-G.
Other names: c.6977T>G, p.Met2326Arg (NM_015384.5); short protein forms M2326R.
Identifiers: ClinVar variation 2860943 (VCV002860943.3), dbSNP rs2149741483, ClinGen allele CA359509583.